The following is an entry in ClinVar:

NM_004370.6(COL12A1):c.2680G>A (p.Ala894Thr)

Gene: COL12A1 (collagen type XII alpha 1 chain; minus strand). Cytogenetic location: 6q13.
Variant type: single nucleotide variant.
Coding change: c.2680G>A on transcript NM_004370.6 (MANE Select); coding-DNA position 2680, G replaced by A.
Protein change: p.Ala894Thr; replaces alanine 894 with threonine.
Molecular consequence: missense variant. On other transcripts: intron variant (1).
Genome position (GRCh38, 1-based): chr6:75,175,068, C>T on the plus strand (G>A on the coding strand, the complement: COL12A1 is on the minus strand). VCF-style: chr6-75175068-C-T. GRCh37 (hg19) VCF-style: chr6-75884784-C-T.
Other names: c.74-22586G>A (NM_080645.3); short protein forms A894T.
Identifiers: ClinVar variation 652077 (VCV000652077.9), dbSNP rs1415214085, ClinGen allele CA364761202.
Genomic context (GRCh38, chr6:75,175,068, plus strand): 5'-TGGATTTTCAGAAAATATGATGGTAATTACCTTCAAGTGTTGTTCCTTCACCAAAGAGGG[C>T]GTCTCCAGCCCCAGACGCATACAAGGCTGTCACAGATAAGGCGTATTGTGTCCCTTCCTT-3'
Protein context (NP_004361.3, residues 884-904): TALYASGAGD[Ala894Thr]LFGEGTTLEE

ClinVar aggregate classification (germline): Uncertain significance (1 of 4 stars; one submission).

Conditions:
Ullrich congenital muscular dystrophy 2 (UCMD2). Identifiers: Orphanet 75840, MedGen C4225314, MONDO:0014654, OMIM 616470.
Bethlem myopathy 2 (BTHLM2). Identifiers: Orphanet 536516, Orphanet 610, MedGen C4225313, MONDO:0034022, OMIM 616471.

Allele frequency attached by ClinVar (database versions not stated): gnomAD exomes 0.00001.
gnomAD v4.1: 10 of 1,613,958 alleles (0.00062%); highest among the groups gnomAD compares: East Asian, 0.0022%; no homozygotes.

Submission:

Labcorp Genetics (formerly Invitae), Labcorp
Classification: Uncertain significance for Bethlem myopathy 2; Ullrich congenital muscular dystrophy 2. Last evaluated: 2024-09-24. Review status: criteria provided, single submitter. Criteria: Invitae Variant Classification Sherloc (09022015). Collection method: clinical testing. Allele origin: germline.
Comment: This sequence change replaces alanine, which is neutral and non-polar, with threonine, which is neutral and polar, at codon 894 of the COL12A1 protein (p.Ala894Thr). This variant is present in population databases (no rsID available, gnomAD 0.002%). This variant has not been reported in the literature in individuals affected with COL12A1-related conditions. ClinVar contains an entry for this variant (Variation ID: 652077). Invitae Evidence Modeling of protein sequence and biophysical properties (such as structural, functional, and spatial information, amino acid conservation, physicochemical variation, residue mobility, and thermodynamic stability) indicates that this missense variant is not expected to disrupt COL12A1 protein function with a negative predictive value of 80%. In summary, the available evidence is currently insufficient to determine the role of this variant in disease. Therefore, it has been classified as a Variant of Uncertain Significance.